The following is an entry in ClinVar:

ClinVar aggregate classification (germline): Uncertain significance (1 of 4 stars; one submission).

Submission:

Labcorp Genetics (formerly Invitae), Labcorp
Classification: Uncertain significance. Last evaluated: 2022-01-04. Review status: criteria provided, single submitter. Criteria: Invitae Variant Classification Sherloc (09022015). Collection method: clinical testing. Allele origin: germline.
Comment: This variant has not been reported in the literature in individuals affected with LZTR1-related conditions. In summary, the available evidence is currently insufficient to determine the role of this variant in disease. Therefore, it has been classified as a Variant of Uncertain Significance. Algorithms developed to predict the effect of missense changes on protein structure and function are either unavailable or do not agree on the potential impact of this missense change (SIFT: "Deleterious"; PolyPhen-2: "Probably Damaging"; Align-GVGD: "Class C0"). This variant is not present in population databases (gnomAD no frequency). This sequence change replaces leucine, which is neutral and non-polar, with arginine, which is basic and polar, at codon 95 of the LZTR1 protein (p.Leu95Arg).

NM_006767.4(LZTR1):c.284T>G (p.Leu95Arg)

Gene: LZTR1 (leucine zipper like post translational regulator 1; plus strand). Cytogenetic location: 22q11.21.
Variant type: single nucleotide variant.
Coding change: c.284T>G on transcript NM_006767.4 (MANE Select); coding-DNA position 284, T replaced by G.
Protein change: p.Leu95Arg; replaces leucine 95 with arginine.
Molecular consequence: missense variant.
Genome position (GRCh38, 1-based): chr22:20,985,861, T>G. VCF-style: chr22-20985861-T-G. GRCh37 (hg19) VCF-style: chr22-21340150-T-G.
Other names: short protein forms L95R.
Identifiers: ClinVar variation 1398923 (VCV001398923.7), dbSNP rs2147959784, ClinGen allele CA410778832.
Genomic context (GRCh38, chr22:20,985,861, plus strand): 5'-GACCTGGCTAATGCCACCCTCTCTTCCGGCTGCCTTTCAGGAAGACCATGCTCAATGACC[T>G]CCTGCGGTTCGATGTGAAAGACTGCTCCTGGTGCAGGTGGGTGGCCCCGTGCTCCAGGGC-3'
Protein context (NP_006758.2, residues 85-105): GDNGKTMLND[Leu95Arg]LRFDVKDCSW